The following is an entry in ClinVar:

ClinVar aggregate classification (germline): Uncertain significance. Review status: criteria provided, multiple submitters, no conflicts (2 of 4 stars). 3 submissions from 3 submitters: Uncertain significance (3). Last evaluated 2024-05-15.

Conditions:
Exostoses, multiple, type 2 (EXT2). Also called: Hereditary Multiple Osteochondromatosis, Type II; EXOSTOSES, MULTIPLE, TYPE II. Identifiers: Orphanet 321, MedGen C1851413, MONDO:0007586, OMIM 133701.
Seizures-scoliosis-macrocephaly syndrome. Also called: SEIZURES, SCOLIOSIS, AND MACROCEPHALY/MICROCEPHALY SYNDROME; Seizures, scoliosis, and macrocephaly syndrome. Identifiers: Orphanet 466926, MedGen C4225248, MONDO:0014731, OMIM 616682.

Allele frequency attached by ClinVar (database versions not stated): ExAC 0.00002; gnomAD exomes 0.00002 and 0.00003; gnomAD 0.00004; TOPMed 0.00005; ESP Exome Variant Server 0.00015.
gnomAD v4.1: 30 of 1,614,050 alleles (0.0019%); highest among the groups gnomAD compares: African/African-American, 0.015%; no homozygotes.

Submissions (3):

Fulgent Genetics
Classification: Uncertain significance for Exostoses, multiple, type 2; Seizures-scoliosis-macrocephaly syndrome. Last evaluated: 2024-05-15. Review status: criteria provided, single submitter. Criteria: ACMG Guidelines, 2015. Collection method: clinical testing. Allele origin: germline.

Labcorp Genetics (formerly Invitae), Labcorp
Classification: Uncertain significance for Exostoses, multiple, type 2. Last evaluated: 2023-07-18. Review status: criteria provided, single submitter. Criteria: Invitae Variant Classification Sherloc (09022015). Collection method: clinical testing. Allele origin: germline.
Comment: In summary, the available evidence is currently insufficient to determine the role of this variant in disease. Therefore, it has been classified as a Variant of Uncertain Significance. This sequence change replaces arginine, which is basic and polar, with tryptophan, which is neutral and slightly polar, at codon 325 of the EXT2 protein (p.Arg325Trp). This variant is present in population databases (rs145611597, gnomAD 0.02%). Advanced modeling of protein sequence and biophysical properties (such as structural, functional, and spatial information, amino acid conservation, physicochemical variation, residue mobility, and thermodynamic stability) performed at Invitae indicates that this missense variant is expected to disrupt EXT2 protein function. ClinVar contains an entry for this variant (Variation ID: 998352). This variant has not been reported in the literature in individuals affected with EXT2-related conditions.

Baylor Genetics
Classification: Uncertain significance for Exostoses, multiple, type 2. Last evaluated: 2020-09-11. Review status: criteria provided, single submitter. Criteria: ACMG Guidelines, 2015. Collection method: clinical testing. Allele origin: unknown. Affected: yes. Study: CSER-TexasKidsCanSeq.
Comment: This variant was determined to be of uncertain significance according to ACMG Guidelines, 2015 [PMID:25741868].

NM_207122.2(EXT2):c.973C>T (p.Arg325Trp)

Gene: EXT2 (exostosin glycosyltransferase 2; plus strand). Cytogenetic location: 11p11.2.
Variant type: single nucleotide variant.
Coding change: c.973C>T on transcript NM_207122.2 (MANE Select); coding-DNA position 973, C replaced by T.
Protein change: p.Arg325Trp; replaces arginine 325 with tryptophan.
Molecular consequence: missense variant.
Genome position (GRCh38, 1-based): chr11:44,126,849, C>T. VCF-style: chr11-44126849-C-T. GRCh37 (hg19) VCF-style: chr11-44148399-C-T.
Other names: c.1072C>T, p.Arg358Trp (NM_000401.3); c.973C>T, p.Arg325Trp (NM_001178083.3); short protein forms R325W, R358W.
Identifiers: ClinVar variation 998352 (VCV000998352.5), dbSNP rs145611597, ClinGen allele CA5955065.